The following is an entry in ClinVar:

ClinVar aggregate classification (germline): Pathogenic (1 of 4 stars; one submission).

Submission:

Labcorp Genetics (formerly Invitae), Labcorp
Classification: Pathogenic. Last evaluated: 2022-03-26. Review status: criteria provided, single submitter. Criteria: Invitae Variant Classification Sherloc (09022015). Collection method: clinical testing. Allele origin: germline.
Comment: This sequence change creates a premature translational stop signal (p.Gln1360*) in the EYS gene. It is expected to result in an absent or disrupted protein product. Loss-of-function variants in EYS are known to be pathogenic (PMID: 18836446, 20333770). This variant is not present in population databases (gnomAD no frequency). This variant has not been reported in the literature in individuals affected with EYS-related conditions. For these reasons, this variant has been classified as Pathogenic.

Literature cited by the submitters: PubMed 18836446; PubMed 20333770.

NM_001142800.2(EYS):c.4078C>T (p.Gln1360Ter)

Gene: EYS (EGF-like photoreceptor maintenance factor; minus strand). Cytogenetic location: 6q12.
Variant type: single nucleotide variant.
Coding change: c.4078C>T on transcript NM_001142800.2 (MANE Select); coding-DNA position 4078, C replaced by T.
Protein change: p.Gln1360Ter; replaces glutamine 1360 with a stop codon.
Molecular consequence: nonsense.
Genome position (GRCh38, 1-based): chr6:64,591,789, G>A on the plus strand (C>T on the coding strand, the complement: EYS is on the minus strand). VCF-style: chr6-64591789-G-A. GRCh37 (hg19) VCF-style: chr6-65301682-G-A.
Other names: c.4078C>T, p.Gln1360Ter (NM_001292009.2); short protein forms Q1360*.
Identifiers: ClinVar variation 2117329 (VCV002117329.4), dbSNP rs1462435314, ClinGen allele CA364784093.